The following is an entry in ClinVar:

ClinVar aggregate classification (germline): Uncertain significance. Review status: criteria provided, multiple submitters, no conflicts (2 of 4 stars). 3 submissions from 3 submitters: Uncertain significance (3). Last evaluated 2025-08-03.

Conditions:
Inborn genetic diseases. Identifiers: MedGen C0950123, MeSH D030342.
Glycogen storage disease, type VII (GSD7). Also called: TARUI DISEASE; GSD VII; MUSCLE PHOSPHOFRUCTOKINASE DEFICIENCY; PFKM DEFICIENCY. Identifiers: Orphanet 371, MedGen C0017926, MONDO:0009295, OMIM 232800.

Allele frequency attached by ClinVar (database versions not stated): ExAC 0.00003; gnomAD exomes 0.00004; TOPMed 0.00006; gnomAD 0.00007.
gnomAD v4.1: 68 of 1,614,146 alleles (0.0042%); highest among the groups gnomAD compares: East Asian, 0.013%; no homozygotes.

Submissions (3):

Ambry Genetics
Classification: Uncertain significance for Inborn genetic diseases. Last evaluated: 2025-08-03. Review status: criteria provided, single submitter. Criteria: Ambry Variant Classification Scheme 2023. Collection method: clinical testing. Allele origin: germline.

Labcorp Genetics (formerly Invitae), Labcorp
Classification: Uncertain significance for Glycogen storage disease, type VII. Last evaluated: 2025-04-13. Review status: criteria provided, single submitter. Criteria: Invitae Variant Classification Sherloc (09022015). Collection method: clinical testing. Allele origin: germline.
Comment: This sequence change replaces alanine, which is neutral and non-polar, with threonine, which is neutral and polar, at codon 681 of the PFKM protein (p.Ala681Thr). This variant is present in population databases (rs752255045, gnomAD 0.02%). This variant has not been reported in the literature in individuals affected with PFKM-related conditions. ClinVar contains an entry for this variant (Variation ID: 2052085). Invitae Evidence Modeling of protein sequence and biophysical properties (such as structural, functional, and spatial information, amino acid conservation, physicochemical variation, residue mobility, and thermodynamic stability) indicates that this missense variant is not expected to disrupt PFKM protein function with a negative predictive value of 95%. In summary, the available evidence is currently insufficient to determine the role of this variant in disease. Therefore, it has been classified as a Variant of Uncertain Significance.

Revvity Omics, Revvity
Classification: Uncertain significance for Glycogen storage disease, type VII. Last evaluated: 2024-04-29. Review status: criteria provided, single submitter. Criteria: ACMG Guidelines, 2015. Collection method: clinical testing. Allele origin: germline.

NM_000289.6(PFKM):c.2041G>A (p.Ala681Thr)

Gene: PFKM (phosphofructokinase, muscle; plus strand). Cytogenetic location: 12q13.11.
Variant type: single nucleotide variant.
Coding change: c.2041G>A on transcript NM_000289.6 (MANE Select); coding-DNA position 2041, G replaced by A.
Protein change: p.Ala681Thr; replaces alanine 681 with threonine.
Molecular consequence: missense variant. On other transcripts: non-coding transcript variant (6).
Genome position (GRCh38, 1-based): chr12:48,145,079, G>A. VCF-style: chr12-48145079-G-A. GRCh37 (hg19) VCF-style: chr12-48538862-G-A.
Other names: c.2041G>A (NM_000289.5); c.2254G>A, p.Ala752Thr (NM_001166686.2, NM_001354737.1, NM_001354738.1 and 1 more transcripts); c.2041G>A, p.Ala681Thr (NM_001166687.2, NM_001166688.2, NM_001354742.2 and 2 more transcripts); c.2350G>A, p.Ala784Thr (NM_001354735.1, NM_001354736.1); c.2185G>A, p.Ala729Thr (NM_001354740.1); c.2065G>A, p.Ala689Thr (NM_001354741.2); c.1954G>A, p.Ala652Thr (NM_001354745.2); c.1915G>A, p.Ala639Thr (NM_001354746.2); and 2 more; short protein forms A650T, A681T, A752T, A784T, A631T, A729T, A639T, A652T.
Identifiers: ClinVar variation 2052085 (VCV002052085.6), dbSNP rs752255045, ClinGen allele CA6537517.
Genomic context (GRCh38, chr12:48,145,079, plus strand): 5'-TTCTTTCTCCAGGGTGGGAGCCCAACCCCATTTGATAGGAATTTTGCCACTAAGATGGGC[G>A]CCAAGGCTATGAACTGGATGTCTGGGAAAATCAAAGAGAGTTACCGTAATGGTAGGTGGG-3'
Protein context (NP_000280.1, residues 671-691): FDRNFATKMG[Ala681Thr]KAMNWMSGKI